The following is an entry in ClinVar:

NM_001370259.2(MEN1):c.1177C>T (p.Gln393Ter)

Gene: MEN1 (menin 1; minus strand). Cytogenetic location: 11q13.1.
Variant type: single nucleotide variant.
Coding change: c.1177C>T on transcript NM_001370259.2 (MANE Select); coding-DNA position 1177, C replaced by T.
Protein change: p.Gln393Ter; replaces glutamine 393 with a stop codon.
Molecular consequence: nonsense.
Genome position (GRCh38, 1-based): chr11:64,805,643, G>A on the plus strand (C>T on the coding strand, the complement: MEN1 is on the minus strand). VCF-style: chr11-64805643-G-A. GRCh37 (hg19) VCF-style: chr11-64573115-G-A.
Other names: c.1192C>T, p.Gln398Ter (NM_000244.4, NM_130800.3, NM_130801.3 and 3 more transcripts); c.1303C>T, p.Gln435Ter (NM_001370251.2); c.1177C>T, p.Gln393Ter (NM_001370260.2, NM_001370261.2, NM_130799.3); c.1072C>T, p.Gln358Ter (NM_001370262.2, NM_001370263.2); short protein forms Q393*, Q398*, Q435*, Q358*.
Identifiers: ClinVar variation 428027 (VCV000428027.13), dbSNP rs1060499984, ClinGen allele CA381182053.
Genomic context (GRCh38, chr11:64,805,643, plus strand): 5'-GAGCCCTGTCCAGGTGGGAGGCTGGACACAGGCTGGAGCTCCAGCCTTTCACCTGGCTTT[G>A]CTCCCCCGGCCGCTCCTCGCCCGCCTCCAGCAAGCTGGCTGCCTCCTTCAGCAGGTTGGG-3'

ClinVar aggregate classification (germline): Pathogenic. Review status: criteria provided, multiple submitters, no conflicts (2 of 4 stars). 2 submissions from 2 submitters: Pathogenic (2). Last evaluated 2019-06-19.

Conditions:
Hereditary cancer-predisposing syndrome. Also called: Hereditary neoplastic syndrome; Tumor predisposition; Neoplastic Syndromes, Hereditary; Hereditary Cancer Syndrome. Identifiers: Orphanet 140162, MedGen C0027672, MeSH D009386, MONDO:0015356.
Multiple endocrine neoplasia, type 1 (MEN1). Also called: MEN I; Endocrine adenomatosis multiple; MEN 1; WERMER SYNDROME; MEA I. Identifiers: Orphanet 652, MedGen C0025267, MeSH D018761, MONDO:0007540, OMIM 131100.

Submissions (2):

Labcorp Genetics (formerly Invitae), Labcorp
Classification: Pathogenic for Multiple endocrine neoplasia, type 1. Last evaluated: 2019-06-19. Review status: criteria provided, single submitter. Criteria: Invitae Variant Classification Sherloc (09022015). Collection method: clinical testing. Allele origin: germline.
Comment: For these reasons, this variant has been classified as Pathogenic. Loss-of-function variants in MEN1 are known to be pathogenic (PMID: 12112656, 17853334). This variant has been observed in individuals with multiple endocrine neoplasia type 1 (PMID: 10090472, 22470073). This variant is also known as c.1192C>T, p.Gln398Term in the literature. ClinVar contains an entry for this variant (Variation ID: 428027). This variant is not present in population databases (ExAC no frequency). This sequence change creates a premature translational stop signal (p.Gln393*) in the MEN1 gene. It is expected to result in an absent or disrupted protein product.

Ambry Genetics
Classification: Pathogenic for Hereditary cancer-predisposing syndrome. Last evaluated: 2013-12-20. Review status: criteria provided, single submitter. Criteria: Ambry Autosomal Dominant and X-Linked criteria (10/2015). Collection method: clinical testing. Allele origin: germline. Observed: 1 variant allele.
Comment: Ã¢â‚¬â€¹The p.Q393X pathogenic mutation (also known as c.1177C>T), located in coding exon 7 of the MEN1 gene, results from a C to T substitution at nucleotide position 1177. This changes the amino acid from a glutamine to a stop codon within coding exon 7. This mutation has been previously identified in multiple MEN1 kindreds (Pieterman, CR et al. Ann Surg. 2012 Jun;255(6):1171-8; Mutch, MG et al. Hum Mutat. 1999;13(3):175-85). In addition to the clinical data presented in the literature, since premature stop codons are typically deleterious in nature, this alteration is interpreted as a disease-causing mutation (ACMG Recommendations for Standards for Interpretation and Reporting of Sequence Variations. Revision 2007. Genet Med. 2008;10:294). This mutation is also called p.G398X (c.1192C>T) in published literature.

Literature cited by the submitters: PubMed 12112656 (cited by Labcorp Genetics (formerly Invitae), Labcorp); PubMed 17853334 (cited by Labcorp Genetics (formerly Invitae), Labcorp); PubMed 10090472 (cited by Labcorp Genetics (formerly Invitae), Labcorp); PubMed 22470073 (cited by Labcorp Genetics (formerly Invitae), Labcorp).